The following is an entry in ClinVar:

ClinVar aggregate classification (germline): Uncertain significance (1 of 4 stars; one submission).

Conditions:
Charcot-Marie-Tooth disease axonal type 2O. Also called: CHARCOT-MARIE-TOOTH NEUROPATHY, AXONAL, TYPE 2O; CHARCOT-MARIE-TOOTH DISEASE, AXONAL, AUTOSOMAL DOMINANT, TYPE 2O; Charcot-Marie-Tooth Neuropathy Type 2O; Charcot-Marie-Tooth disease, axonal, type 20. Identifiers: Orphanet 284232, MedGen C3280220, MONDO:0013644, OMIM 614228.

Allele frequency attached by ClinVar (database versions not stated): gnomAD exomes below 0.00001.
gnomAD v4.1: 3 of 1,614,122 alleles (0.00019%); highest among the groups gnomAD compares: African/African-American, 0.0013%; no homozygotes.

Submission:

Labcorp Genetics (formerly Invitae), Labcorp
Classification: Uncertain significance for Charcot-Marie-Tooth disease axonal type 2O. Last evaluated: 2023-10-24. Review status: criteria provided, single submitter. Criteria: Invitae Variant Classification Sherloc (09022015). Collection method: clinical testing. Allele origin: germline.
Comment: This sequence change falls in intron 43 of the DYNC1H1 gene. It does not directly change the encoded amino acid sequence of the DYNC1H1 protein. It affects a nucleotide within the consensus splice site. This variant is not present in population databases (gnomAD no frequency). This variant has not been reported in the literature in individuals affected with DYNC1H1-related conditions. Variants that disrupt the consensus splice site are a relatively common cause of aberrant splicing (PMID: 17576681, 9536098). Algorithms developed to predict the effect of sequence changes on RNA splicing suggest that this variant is not likely to affect RNA splicing. In summary, the available evidence is currently insufficient to determine the role of this variant in disease. Therefore, it has been classified as a Variant of Uncertain Significance.

Literature cited by the submitters: PubMed 17576681; PubMed 9536098.

NM_001376.5(DYNC1H1):c.8638-3T>C

Gene: DYNC1H1 (dynein cytoplasmic 1 heavy chain 1; plus strand). Cytogenetic location: 14q32.31.
Variant type: single nucleotide variant.
Coding change: c.8638-3T>C on transcript NM_001376.5 (MANE Select); 3 bases into the intron before coding-DNA position 8638, T replaced by C.
Molecular consequence: intron variant.
Genome position (GRCh38, 1-based): chr14:102,026,571, T>C. VCF-style: chr14-102026571-T-C. GRCh37 (hg19) VCF-style: chr14-102492908-T-C.
Identifiers: ClinVar variation 2903170 (VCV002903170.3), dbSNP rs2503801372, ClinGen allele CA2626606598.